The following is an entry in ClinVar:

NM_006269.2(RP1):c.4030T>C (p.Phe1344Leu)

Gene: RP1 (RP1 axonemal microtubule associated; plus strand). Cytogenetic location: 8q12.1.
Variant type: single nucleotide variant.
Coding change: c.4030T>C on transcript NM_006269.2 (MANE Select); coding-DNA position 4030, T replaced by C.
Protein change: p.Phe1344Leu; replaces phenylalanine 1344 with leucine.
Molecular consequence: missense variant.
Genome position (GRCh38, 1-based): chr8:54,627,912, T>C. VCF-style: chr8-54627912-T-C. GRCh37 (hg19) VCF-style: chr8-55540472-T-C.
Other names: short protein forms F1344L.
Identifiers: ClinVar variation 426263 (VCV000426263.22), dbSNP rs146256526, ClinGen allele CA4751791.
Genomic context (GRCh38, chr8:54,627,912, plus strand): 5'-GAGGGAGCTTGCCCAATTGATGAGACCTACGTTCCTGTCAATGTCTGCAATACCATTGAC[T>C]TTTTAAACTCCAAAGAAAACACATATACTGATAACTTGGATTCAACTGAAGAGTTAGAAA-3'
Protein context (NP_006260.1, residues 1334-1354): VPVNVCNTID[Phe1344Leu]LNSKENTYTD

ClinVar aggregate classification (germline): Conflicting classifications of pathogenicity. Review status: criteria provided, conflicting classifications (1 of 4 stars). 7 submissions from 7 submitters: Uncertain significance (4); Likely benign (3). Last evaluated 2026-08-06.

Conditions:
Inborn genetic diseases. Identifiers: MedGen C0950123, MeSH D030342.
RP1-related disorder. Also called: RP1-related condition.
Retinitis pigmentosa 1 (RP1). Identifiers: Orphanet 791, MedGen C0220701, MONDO:0008377, OMIM 180100.

Allele frequency attached by ClinVar (database versions not stated): 1000 Genomes Project 30x 0.00062; gnomAD exomes 0.00011 and 0.00027; 1000 Genomes Project 0.00080; gnomAD 0.00109 and 0.00113; ExAC 0.00028; TOPMed 0.00109; ESP Exome Variant Server 0.00123.
gnomAD v4.1: 332 of 1,614,142 alleles (0.021%); highest among the groups gnomAD compares: African/African-American, 0.39%; no homozygotes.

Submissions (7):

OLLIN Analises Genomicas, OLLIN
Classification: Uncertain significance for Retinitis pigmentosa 1. Last evaluated: 2026-08-06. Review status: criteria provided, single submitter. Criteria: ACMG Guidelines 2015 PMID 25741868. Collection method: clinical testing. Allele origin: germline. Inheritance: Autosomal dominant inheritance.
Comment: This missense variant, located in exon 4 (of 4), has been reported in ClinVar (accession VCV000426263.20) and in gnomAD with an allele frequency of 0.0206%. However, to our knowledge, it has not been reported in the scientific literature. In silico analysis predicts that this variant has a tolerated effect. According to the currently available evidence, this variant has been classified as uncertain significance (PM2_P, BP4_VS).

Labcorp Genetics (formerly Invitae), Labcorp
Classification: Likely benign. Last evaluated: 2025-10-29. Review status: criteria provided, single submitter. Criteria: Invitae Variant Classification Sherloc (09022015). Collection method: clinical testing. Allele origin: germline.

PreventionGenetics, part of Exact Sciences
Classification: Likely benign for RP1-related condition. Last evaluated: 2025-01-13. Review status: criteria provided, single submitter. Criteria: ACMG Guidelines, 2015. Collection method: clinical testing. Allele origin: germline.
Comment: This variant is classified as likely benign based on ACMG/AMP sequence variant interpretation guidelines (Richards et al. 2015 PMID: 25741868, with internal and published modifications).

GeneDx
Classification: Uncertain significance. Last evaluated: 2024-08-30. Review status: criteria provided, single submitter. Criteria: GeneDx Variant Classification Process June 2021. Collection method: clinical testing. Allele origin: germline. Affected: yes.
Comment: In silico analysis indicates that this missense variant does not alter protein structure/function; Has not been previously published as pathogenic or benign to our knowledge

Blueprint Genetics
Classification: Likely benign. Last evaluated: 2024-03-05. Review status: criteria provided, single submitter. Criteria: ACMG Guidelines, 2015. Collection method: clinical testing. Allele origin: germline.

Ambry Genetics
Classification: Uncertain significance for Inborn genetic diseases. Last evaluated: 2022-09-06. Review status: criteria provided, single submitter. Criteria: Ambry Variant Classification Scheme 2023. Collection method: clinical testing. Allele origin: germline.

Eurofins Ntd Llc (ga)
Classification: Uncertain significance. Last evaluated: 2016-11-01. Review status: criteria provided, single submitter. Criteria: EGL Classification Definitions 2015. Collection method: clinical testing. Allele origin: germline. Observed: 2 variant alleles, 2 heterozygotes.